The following is an entry in ClinVar:

NM_004517.4(ILK):c.410T>C (p.Val137Ala)

Genes: ILK (integrin linked kinase; plus strand), TAF10 (TATA-box binding protein associated factor 10; minus strand). Cytogenetic location: 11p15.4.
Variant type: single nucleotide variant.
Coding change: c.410T>C on transcript NM_004517.4 (MANE Select); coding-DNA position 410, T replaced by C.
Protein change: p.Val137Ala; replaces valine 137 with alanine.
Molecular consequence: missense variant. On other transcripts: 3 prime UTR variant (1), intron variant (1).
Genome position (GRCh38, 1-based): chr11:6,608,752, T>C. VCF-style: chr11-6608752-T-C. GRCh37 (hg19) VCF-style: chr11-6629982-T-C.
Other names: c.410T>C, p.Val137Ala (NM_001014794.3, NM_001014795.3); c.8T>C, p.Val3Ala (NM_001278442.2); c.*2170A>G (NM_006284.4); c.352-132T>C (NM_001278441.2); short protein forms V137A, V3A.
Identifiers: ClinVar variation 2428206 (VCV002428206.8), dbSNP rs773265619, ClinGen allele CA5858039.

ClinVar aggregate classification (germline): Uncertain significance. Review status: criteria provided, multiple submitters, no conflicts (2 of 4 stars). 2 submissions from 2 submitters: Uncertain significance (2). Last evaluated 2025-05-06.

Conditions:
Primary familial hypertrophic cardiomyopathy (HCM). Identifiers: Orphanet 99739, MedGen C0949658, MeSH D024741, MONDO:0024573. Inheritance: Various modes of inheritance.

Allele frequency attached by ClinVar (database versions not stated): gnomAD 0.00001; gnomAD exomes 0.00001; TOPMed 0.00001; ExAC 0.00004.
gnomAD v4.1: 11 of 1,614,044 alleles (0.00068%); highest among the groups gnomAD compares: Non-Finnish European, 0.00085%; no homozygotes.

Submissions (2):

Labcorp Genetics (formerly Invitae), Labcorp
Classification: Uncertain significance for Primary familial hypertrophic cardiomyopathy. Last evaluated: 2025-05-06. Review status: criteria provided, single submitter. Criteria: Invitae Variant Classification Sherloc (09022015). Collection method: clinical testing. Allele origin: germline.
Comment: This sequence change replaces valine, which is neutral and non-polar, with alanine, which is neutral and non-polar, at codon 137 of the ILK protein (p.Val137Ala). This variant is present in population databases (rs773265619, gnomAD 0.004%). This variant has not been reported in the literature in individuals affected with ILK-related conditions. ClinVar contains an entry for this variant (Variation ID: 2428206). An algorithm developed to predict the effect of missense changes on protein structure and function (PolyPhen-2) suggests that this variant is likely to be tolerated. In summary, the available evidence is currently insufficient to determine the role of this variant in disease. Therefore, it has been classified as a Variant of Uncertain Significance.

Ambry Genetics
Classification: Uncertain significance. Last evaluated: 2024-02-28. Review status: criteria provided, single submitter. Criteria: Ambry Variant Classification Scheme 2023. Collection method: clinical testing. Allele origin: germline.